The following is an entry in ClinVar:

NM_000094.4(COL7A1):c.747A>C (p.Arg249Ser)

Gene: COL7A1 (collagen type VII alpha 1 chain; minus strand). Cytogenetic location: 3p21.31.
Variant type: single nucleotide variant.
Coding change: c.747A>C on transcript NM_000094.4 (MANE Select); coding-DNA position 747, A replaced by C.
Protein change: p.Arg249Ser; replaces arginine 249 with serine.
Molecular consequence: missense variant.
Genome position (GRCh38, 1-based): chr3:48,592,874, T>G on the plus strand (A>C on the coding strand, the complement: COL7A1 is on the minus strand). VCF-style: chr3-48592874-T-G. GRCh37 (hg19) VCF-style: chr3-48630307-T-G.
Other names: short protein forms R249S.
Identifiers: ClinVar variation 4801674 (VCV004801674.1).

ClinVar aggregate classification (germline): Uncertain significance (1 of 4 stars; one submission).

Submission:

Labcorp Genetics (formerly Invitae), Labcorp
Classification: Uncertain significance. Last evaluated: 2025-10-22. Review status: criteria provided, single submitter. Criteria: Invitae Variant Classification Sherloc (09022015). Collection method: clinical testing. Allele origin: germline.
Comment: This sequence change replaces arginine, which is basic and polar, with serine, which is neutral and polar, at codon 249 of the COL7A1 protein (p.Arg249Ser). This variant is not present in population databases (gnomAD no frequency). This variant has not been reported in the literature in individuals affected with COL7A1-related conditions. Invitae Evidence Modeling of protein sequence and biophysical properties (such as structural, functional, and spatial information, amino acid conservation, physicochemical variation, residue mobility, and thermodynamic stability) indicates that this missense variant is not expected to disrupt COL7A1 protein function with a negative predictive value of 95%. In summary, the available evidence is currently insufficient to determine the role of this variant in disease. Therefore, it has been classified as a Variant of Uncertain Significance.